The following is an entry in ClinVar:

ClinVar aggregate classification (germline): Benign (1 of 4 stars; one submission).

Conditions:
Colorectal cancer, susceptibility to, 1. Also called: COLORECTAL ADENOMA AND CANCER, SUSCEPTIBILITY TO; COLORECTAL CANCER, SUSCEPTIBILITY TO, ON CHROMOSOME 9. Identifiers: MedGen C1837315, MONDO:0012132, OMIM 608812.

gnomAD v4.1: 1 of 1,614,108 alleles (0.000062%); no homozygotes.

Submission:

Myriad Genetics, Inc.
Classification: Benign for Colorectal cancer, susceptibility to, 1. Last evaluated: 2026-09-11. Review status: criteria provided, single submitter. Criteria: Myriad Autosomal Dominant, Autosomal Recessive and X-Linked Classification Criteria (2023). Collection method: clinical testing. Allele origin: unknown.
Comment: This variant is considered benign. This variant is a silent/synonymous amino acid change and it is not expected to impact splicing.

NM_024642.5(GALNT12):c.465A>G (p.Thr155=)

Gene: GALNT12 (polypeptide N-acetylgalactosaminyltransferase 12; plus strand). Cytogenetic location: 9q22.33.
Variant type: single nucleotide variant.
Coding change: c.465A>G on transcript NM_024642.5 (MANE Select); coding-DNA position 465, A replaced by G.
Protein change: p.Thr155=; no amino-acid change (threonine 155 retained).
Molecular consequence: synonymous variant.
Genome position (GRCh38, 1-based): chr9:98,823,349, A>G. VCF-style: chr9-98823349-A-G. GRCh37 (hg19) VCF-style: chr9-101585631-A-G.
Identifiers: ClinVar variation 5042428 (VCV005042428.1).
Genomic context (GRCh38, chr9:98,823,349, plus strand): 5'-GCCCAGGACATCTGTTATCATAGCATTTTATAATGAAGCCTGGTCAACTCTCCTTCGGAC[A>G]GTTTACAGTGTCCTTGAGACATCCCCGGATATCCTGCTAGAAGAAGTGATCCTTGTAGAT-3'
Protein context (NP_078918.3, residues 145-165): YNEAWSTLLR[Thr155=]VYSVLETSPD